The following is an entry in ClinVar:

ClinVar aggregate classification (germline): Conflicting classifications of pathogenicity. Review status: criteria provided, conflicting classifications (1 of 4 stars). 2 submissions from 2 submitters: Uncertain significance (1); Likely benign (1). Last evaluated 2025-02-27.

Conditions:
POLD1-related polyposis and colorectal cancer syndrome (CRCS10). Also called: Colorectal cancer 10; COLORECTAL CANCER, SUSCEPTIBILITY TO, ON CHROMOSOME 19q; Colorectal cancer, susceptibility to, 10. Identifiers: Orphanet 220460, MedGen C2675481, MONDO:0012953, OMIM 612591.
Hereditary cancer-predisposing syndrome. Also called: Tumor predisposition; Hereditary Cancer Syndrome; Hereditary neoplastic syndrome; Neoplastic Syndromes, Hereditary. Identifiers: Orphanet 140162, MedGen C0027672, MeSH D009386, MONDO:0015356.

Submissions (2):

Labcorp Genetics (formerly Invitae), Labcorp
Classification: Likely benign for POLD1-related polyposis and colorectal cancer syndrome. Last evaluated: 2025-02-27. Review status: criteria provided, single submitter. Criteria: Invitae Variant Classification Sherloc (09022015). Collection method: clinical testing. Allele origin: germline.

Ambry Genetics
Classification: Uncertain significance for Hereditary cancer-predisposing syndrome. Last evaluated: 2025-01-27. Review status: criteria provided, single submitter. Criteria: Ambry Variant Classification Scheme 2023. Collection method: clinical testing. Allele origin: germline.
Comment: The c.1687-5C>T intronic variant results from a C to T substitution 5 nucleotides upstream from coding exon 13 in the POLD1 gene. This nucleotide position is not well conserved in available vertebrate species. In silico splice site analysis predicts that this alteration will not have any significant effect on splicing. Based on the available evidence, the clinical significance of this variant remains unclear.

NM_002691.4(POLD1):c.1687-5C>T

Gene: POLD1 (DNA polymerase delta 1, catalytic subunit; plus strand). Cytogenetic location: 19q13.33.
Variant type: single nucleotide variant.
Coding change: c.1687-5C>T on transcript NM_002691.4 (MANE Select); 5 bases into the intron before coding-DNA position 1687, C replaced by T.
Molecular consequence: intron variant.
Genome position (GRCh38, 1-based): chr19:50,407,322, C>T. VCF-style: chr19-50407322-C-T. GRCh37 (hg19) VCF-style: chr19-50910579-C-T.
Other names: c.1687-5C>T (NM_001256849.1, NM_001308632.1, LRG_785t2 and 1 more transcripts).
Identifiers: ClinVar variation 486947 (VCV000486947.14), dbSNP rs199733325, ClinGen allele CA658658842.